The following is an entry in ClinVar:

ClinVar aggregate classification (germline): Uncertain significance (1 of 4 stars; one submission).

Conditions:
Perry syndrome. Also called: PARKINSONISM WITH ALVEOLAR HYPOVENTILATION AND MENTAL DEPRESSION. Identifiers: Orphanet 178509, MedGen C1868594, MONDO:0008201, OMIM 168605.
Amyotrophic lateral sclerosis type 1 (ALS1). Also called: AMYOTROPHIC LATERAL SCLEROSIS 1, FAMILIAL. Identifiers: Orphanet 803, MedGen C1862939, MONDO:0007103, OMIM 105400.
Neuronopathy, distal hereditary motor, type 7B. Also called: Distal Hereditary Motor Neuronopathy Type 7B (dHMN7B); NEURONOPATHY, DISTAL HEREDITARY MOTOR, AUTOSOMAL DOMINANT 14; NEURONOPATHY, DISTAL HEREDITARY MOTOR, HARDING TYPE VIIB; NEUROPATHY, DISTAL HEREDITARY MOTOR, HARDING TYPE VIIB; NEUROPATHY, DISTAL HEREDITARY MOTOR, WITH VOCAL CORD PARALYSIS, HARDING TYPE VIIB; HMN VIIB. Identifiers: Orphanet 139589, MedGen C1843315, MONDO:0011879, OMIM 607641.

Allele frequency attached by ClinVar (database versions not stated): gnomAD exomes below 0.00001 and 0.00001.
gnomAD v4.1: 20 of 1,614,202 alleles (0.0012%); highest among the groups gnomAD compares: Admixed American, 0.0017%; no homozygotes.

Submission:

Labcorp Genetics (formerly Invitae), Labcorp
Classification: Uncertain significance for Amyotrophic lateral sclerosis type 1; Neuronopathy, distal hereditary motor, type 7B; Perry syndrome. Last evaluated: 2024-09-29. Review status: criteria provided, single submitter. Criteria: Invitae Variant Classification Sherloc (09022015). Collection method: clinical testing. Allele origin: germline.
Comment: This sequence change replaces arginine, which is basic and polar, with cysteine, which is neutral and slightly polar, at codon 292 of the DCTN1 protein (p.Arg292Cys). This variant is present in population databases (no rsID available, gnomAD 0.0009%). This variant has not been reported in the literature in individuals affected with DCTN1-related conditions. ClinVar contains an entry for this variant (Variation ID: 861784). Invitae Evidence Modeling of protein sequence and biophysical properties (such as structural, functional, and spatial information, amino acid conservation, physicochemical variation, residue mobility, and thermodynamic stability) indicates that this missense variant is expected to disrupt DCTN1 protein function with a positive predictive value of 80%. In summary, the available evidence is currently insufficient to determine the role of this variant in disease. Therefore, it has been classified as a Variant of Uncertain Significance.

NM_004082.5(DCTN1):c.874C>T (p.Arg292Cys)

Gene: DCTN1 (dynactin subunit 1; minus strand). Cytogenetic location: 2p13.1.
Variant type: single nucleotide variant.
Coding change: c.874C>T on transcript NM_004082.5 (MANE Select); coding-DNA position 874, C replaced by T.
Protein change: p.Arg292Cys; replaces arginine 292 with cysteine.
Molecular consequence: missense variant. On other transcripts: non-coding transcript variant (1).
Genome position (GRCh38, 1-based): chr2:74,370,795, G>A on the plus strand (C>T on the coding strand, the complement: DCTN1 is on the minus strand). VCF-style: chr2-74370795-G-A. GRCh37 (hg19) VCF-style: chr2-74597922-G-A.
Other names: c.814C>T, p.Arg272Cys (NM_001135040.3); c.472C>T, p.Arg158Cys (NM_001135041.3, NM_023019.4); c.763C>T, p.Arg255Cys (NM_001190836.2); c.853C>T, p.Arg285Cys (NM_001190837.2); c.823C>T, p.Arg275Cys (NM_001378991.1); c.805C>T, p.Arg269Cys (NM_001378992.1); short protein forms R158C, R255C, R285C, R272C, R292C, R269C, R275C.
Identifiers: ClinVar variation 861784 (VCV000861784.13), dbSNP rs1200414397, ClinGen allele CA347365223.
Genomic context (GRCh38, chr2:74,370,795, plus strand): 5'-CCTTGTCCAAAGTGGCCATCTCAATGGCATCAGCAGTATCAGCCATCTCCTCCATATAGC[G>A]TTCCTTTGCCTCCAGCGCCTCCTTGGCTTCCTGAGGAAGAAGTGGAGGTGGGAGGGGGTA-3'
Protein context (NP_004073.2, residues 282-302): EAKEALEAKE[Arg292Cys]YMEEMADTAD